The following is an entry in ClinVar:

NM_015205.3(ATP11A):c.1096G>A (p.Val366Ile)

Gene: ATP11A (ATPase phospholipid transporting 11A; plus strand). Cytogenetic location: 13q34.
Variant type: single nucleotide variant.
Coding change: c.1096G>A on transcript NM_015205.3 (MANE Select); coding-DNA position 1096, G replaced by A.
Protein change: p.Val366Ile; replaces valine 366 with isoleucine.
Molecular consequence: missense variant.
Genome position (GRCh38, 1-based): chr13:112,826,766, G>A. VCF-style: chr13-112826766-G-A. GRCh37 (hg19) VCF-style: chr13-113481080-G-A.
Other names: c.1096G>A, p.Val366Ile (NM_001405662.1, NM_001405663.1, NM_032189.4 and 1 more transcripts); short protein forms V366I.
Identifiers: ClinVar variation 4590462 (VCV004590462.2).

ClinVar aggregate classification (germline): Uncertain significance. Review status: criteria provided, multiple submitters, no conflicts (2 of 4 stars). 2 submissions from 2 submitters: Uncertain significance (2). Last evaluated 2026-08-18.

Conditions:
ATP11A-related disorder. Also called: ATP11A-related condition.
Inborn genetic diseases. Identifiers: MedGen C0950123, MeSH D030342.

Submissions (2):

PreventionGenetics, part of Exact Sciences
Classification: Uncertain significance for ATP11A-related condition. Last evaluated: 2026-08-18. Review status: criteria provided, single submitter. Criteria: ACMG Guidelines, 2015. Collection method: clinical testing. Allele origin: germline.
Comment: The ATP11A c.1096G>A variant is predicted to result in the amino acid substitution p.Val366Ile. To our knowledge, this variant has not been reported in the literature. This variant is reported in 0.0033% of alleles in individuals of South Asian descent in gnomAD. At this time, the clinical significance of this variant is uncertain due to the absence of conclusive functional and genetic evidence.

Ambry Genetics
Classification: Uncertain significance for Inborn genetic diseases. Last evaluated: 2025-12-09. Review status: criteria provided, single submitter. Criteria: Ambry Variant Classification Scheme 2023. Collection method: clinical testing. Allele origin: germline.